The following is an entry in ClinVar:

ClinVar aggregate classification (germline): Conflicting classifications of pathogenicity. Review status: criteria provided, conflicting classifications (1 of 4 stars). 8 submissions from 8 submitters: Pathogenic (2); Likely pathogenic (4); Uncertain significance (1). 1 of the submissions does not count toward it. Last evaluated 2026-06-04.

Conditions:
DHCR7-related disorder. Also called: DHCR7-related condition.
Smith-Lemli-Opitz syndrome (SLOS). Also called: 7-Dehydrocholesterol reductase deficiency; LETHAL ACRODYSGENITAL SYNDROME; POLYDACTYLY, SEX REVERSAL, RENAL HYPOPLASIA, AND UNILOBAR LUNG; RSH SYNDROME; RUTLEDGE LETHAL MULTIPLE CONGENITAL ANOMALY SYNDROME. Identifiers: Orphanet 818, MedGen C0175694, MONDO:0010035, OMIM 270400.

Allele frequency attached by ClinVar (database versions not stated): gnomAD exomes below 0.00001 and 0.00002; gnomAD 0.00001; ExAC 0.00002; TOPMed 0.00003.
gnomAD v4.1: 8 of 1,614,090 alleles (0.0005%); highest among the groups gnomAD compares: Admixed American, 0.012%; no homozygotes.

Submissions (8):

Women's Health and Genetics/Laboratory Corporation of America, LabCorp
Classification: Likely pathogenic for Smith-Lemli-Opitz syndrome. Last evaluated: 2026-06-04. Review status: criteria provided, single submitter. Criteria: LabCorp Variant Classification Summary - May 2015. Collection method: clinical testing. Allele origin: germline.
Comment: Variant summary: DHCR7 c.521T>C (p.Phe174Ser) results in a non-conservative amino acid change in the encoded protein sequence. Algorithms developed to predict the effect of missense changes on protein structure and function all suggest that this variant is likely to be disruptive. The variant allele was found at a frequency of 2e-05 in 251044 control chromosomes. c.521T>C has been identified as a compound heterozygous genotype in at least two individuals affected with DHCR7-related conditions (e.g., Cardoso_2005, Tucci_2016). These data indicate that the variant may be associated with disease. To our knowledge, no experimental evidence demonstrating an impact on protein function has been reported. The following publications have been ascertained in the context of this evaluation (PMID: 26969503, 23042628, 15979035). ClinVar contains an entry for this variant (Variation ID: 554967). Based on the evidence outlined above, the variant was classified as likely pathogenic.

GeneDx
Classification: Pathogenic. Last evaluated: 2026-02-05. Review status: criteria provided, single submitter. Criteria: GeneDx Variant Classification Process June 2021. Collection method: clinical testing. Allele origin: germline.
Comment: Not observed at significant frequency in large population cohorts (gnomAD); In silico analysis suggests that this missense variant does not alter protein structure/function; This variant is associated with the following publications: (PMID: 26969503, 27401223, 23042628, 15979035)

PreventionGenetics, part of Exact Sciences
Classification: Uncertain significance for DHCR7-related condition. Last evaluated: 2025-10-08. Review status: criteria provided, single submitter. Criteria: ACMG Guidelines, 2015. Collection method: clinical testing. Allele origin: germline.
Comment: The DHCR7 c.521T>C variant is predicted to result in the amino acid substitution p.Phe174Ser. This variant was reported along with a second pathogenic variant in two individuals with Smith-Lemli-Opitz syndrome, with one of the patients reported to have a milder phenotype (Cardoso et al. 2005. PubMed ID: 15979035; Tucci et al. 2016. PubMed ID: 26969503). This variant is reported in 0.014% of alleles in individuals of Latino descent in gnomAD. In ClinVar this variant has conflicting interpretations of pathogenic, likely pathogenic and uncertain (ID: 554967). Although we suspect that this variant may be pathogenic, at this time, the clinical significance of this variant is uncertain due to the absence of conclusive functional and genetic evidence.

Labcorp Genetics (formerly Invitae), Labcorp
Classification: Pathogenic for Smith-Lemli-Opitz syndrome. Last evaluated: 2024-11-13. Review status: criteria provided, single submitter. Criteria: Invitae Variant Classification Sherloc (09022015). Collection method: clinical testing. Allele origin: germline.
Comment: This sequence change replaces phenylalanine, which is neutral and non-polar, with serine, which is neutral and polar, at codon 174 of the DHCR7 protein (p.Phe174Ser). This variant is present in population databases (rs769218623, gnomAD 0.01%). This missense change has been observed in individual(s) with Smith-Lemli-Opitz syndrome (PMID: 15979035, 26969503). In at least one individual the data is consistent with being in trans (on the opposite chromosome) from a pathogenic variant. ClinVar contains an entry for this variant (Variation ID: 554967). Invitae Evidence Modeling of protein sequence and biophysical properties (such as structural, functional, and spatial information, amino acid conservation, physicochemical variation, residue mobility, and thermodynamic stability) has been performed for this missense variant. However, the output from this modeling did not meet the statistical confidence thresholds required to predict the impact of this variant on DHCR7 protein function. For these reasons, this variant has been classified as Pathogenic.

Laboratorio de Genetica e Diagnostico Molecular, Hospital Israelita Albert Einstein
Classification: Likely pathogenic for Smith-Lemli-Opitz syndrome. Last evaluated: 2024-10-25. Review status: criteria provided, single submitter. Criteria: ACMG Guidelines, 2015. Collection method: clinical testing. Allele origin: germline. Affected: yes.
Comment: ACMG classification criteria: PM2 supporting, PM3 strong, PP3 supporting

Fulgent Genetics
Classification: Likely pathogenic for Smith-Lemli-Opitz syndrome. Last evaluated: 2024-02-23. Review status: criteria provided, single submitter. Criteria: ACMG Guidelines, 2015. Collection method: clinical testing. Allele origin: germline.

Equipe Genetique des Anomalies du Developpement, Université de Bourgogne
Classification: Likely pathogenic for Smith-Lemli-Opitz syndrome. Last evaluated: 2021-10-18. Review status: criteria provided, single submitter. Criteria: ACMG Guidelines, 2015. Collection method: clinical testing. Allele origin: paternal. Affected: yes.

Counsyl
Classification: Uncertain significance for Smith-Lemli-Opitz syndrome. Last evaluated: 2017-11-09. Review status: no assertion criteria provided. Collection method: clinical testing. Allele origin: unknown. Not counted in ClinVar's aggregate classification.

Literature cited by the submitters: PubMed 26969503 (cited by 3 submitters); PubMed 23042628 (cited by Women's Health and Genetics/Laboratory Corporation of America, LabCorp); PubMed 15979035 (cited by 3 submitters).

NM_001360.3(DHCR7):c.521T>C (p.Phe174Ser)

Gene: DHCR7 (7-dehydrocholesterol reductase; minus strand). Cytogenetic location: 11q13.4.
Variant type: single nucleotide variant.
Coding change: c.521T>C on transcript NM_001360.3 (MANE Select); coding-DNA position 521, T replaced by C.
Protein change: p.Phe174Ser; replaces phenylalanine 174 with serine.
Molecular consequence: missense variant.
Genome position (GRCh38, 1-based): chr11:71,441,332, A>G on the plus strand (T>C on the coding strand, the complement: DHCR7 is on the minus strand). VCF-style: chr11-71441332-A-G. GRCh37 (hg19) VCF-style: chr11-71152378-A-G.
Other names: c.521T>C, p.Phe174Ser (NM_001163817.2); short protein forms F174S.
Identifiers: ClinVar variation 554967 (VCV000554967.19), dbSNP rs769218623, ClinGen allele CA6162542.